The following is an entry in ClinVar:

ClinVar aggregate classification (germline): Uncertain significance. Review status: criteria provided, multiple submitters, no conflicts (2 of 4 stars). 2 submissions from 2 submitters: Uncertain significance (2). Last evaluated 2024-02-16.

Conditions:
Inborn genetic diseases. Identifiers: MedGen C0950123, MeSH D030342.
Charcot-Marie-Tooth disease axonal type 2L. Also called: Charcot-Marie-Tooth Neuropathy Type 2L; CHARCOT-MARIE-TOOTH DISEASE, AXONAL, AUTOSOMAL DOMINANT, TYPE 2L; CHARCOT-MARIE-TOOTH NEUROPATHY, AXONAL, TYPE 2L. Identifiers: Orphanet 99945, MedGen C1837552, MONDO:0012096, OMIM 608673.

Allele frequency attached by ClinVar (database versions not stated): ExAC 0.00001; gnomAD exomes 0.00001; gnomAD 0.00003 and 0.00004; TOPMed 0.00003.
gnomAD v4.1: 9 of 1,613,612 alleles (0.00056%); highest among the groups gnomAD compares: African/African-American, 0.008%; no homozygotes.

Submissions (2):

Labcorp Genetics (formerly Invitae), Labcorp
Classification: Uncertain significance for Charcot-Marie-Tooth disease axonal type 2L. Last evaluated: 2024-02-16. Review status: criteria provided, single submitter. Criteria: Invitae Variant Classification Sherloc (09022015). Collection method: clinical testing. Allele origin: germline.
Comment: This sequence change replaces alanine, which is neutral and non-polar, with threonine, which is neutral and polar, at codon 77 of the HSPB8 protein (p.Ala77Thr). This variant is present in population databases (rs752044307, gnomAD 0.007%). This variant has not been reported in the literature in individuals affected with HSPB8-related conditions. ClinVar contains an entry for this variant (Variation ID: 972318). Algorithms developed to predict the effect of missense changes on protein structure and function output the following: SIFT: "Not Available"; PolyPhen-2: "Benign"; Align-GVGD: "Not Available". The threonine amino acid residue is found in multiple mammalian species, which suggests that this missense change does not adversely affect protein function. In summary, the available evidence is currently insufficient to determine the role of this variant in disease. Therefore, it has been classified as a Variant of Uncertain Significance.

Ambry Genetics
Classification: Uncertain significance for Inborn genetic diseases. Last evaluated: 2020-10-01. Review status: criteria provided, single submitter. Criteria: Ambry Variant Classification Scheme 2023. Collection method: clinical testing. Allele origin: germline.
Comment: The p.A77T variant (also known as c.229G>A), located in coding exon 1 of the HSPB8 gene, results from a G to A substitution at nucleotide position 229. The alanine at codon 77 is replaced by threonine, an amino acid with similar properties. This amino acid position is not well conserved in available vertebrate species, and threonine is the reference amino acid in other vertebrate species. In addition, this alteration is predicted to be tolerated by in silico analysis. Since supporting evidence is limited at this time, the clinical significance of this alteration remains unclear.

NM_014365.3(HSPB8):c.229G>A (p.Ala77Thr)

Gene: HSPB8 (heat shock protein family B (small) member 8; plus strand). Cytogenetic location: 12q24.23.
Variant type: single nucleotide variant.
Coding change: c.229G>A on transcript NM_014365.3 (MANE Select); coding-DNA position 229, G replaced by A.
Protein change: p.Ala77Thr; replaces alanine 77 with threonine.
Molecular consequence: missense variant.
Genome position (GRCh38, 1-based): chr12:119,179,541, G>A. VCF-style: chr12-119179541-G-A. GRCh37 (hg19) VCF-style: chr12-119617346-G-A.
Other names: short protein forms A77T.
Identifiers: ClinVar variation 972318 (VCV000972318.10), dbSNP rs752044307, ClinGen allele CA6819524.